The following is an entry in ClinVar:

ClinVar aggregate classification (germline): Uncertain significance (1 of 4 stars; one submission).

Submission:

Labcorp Genetics (formerly Invitae), Labcorp
Classification: Uncertain significance. Last evaluated: 2024-12-13. Review status: criteria provided, single submitter. Criteria: Invitae Variant Classification Sherloc (09022015). Collection method: clinical testing. Allele origin: germline.
Comment: This sequence change replaces asparagine, which is neutral and polar, with histidine, which is basic and polar, at codon 560 of the ANLN protein (p.Asn560His). This variant is not present in population databases (gnomAD no frequency). This variant has not been reported in the literature in individuals affected with ANLN-related conditions. Invitae Evidence Modeling of protein sequence and biophysical properties (such as structural, functional, and spatial information, amino acid conservation, physicochemical variation, residue mobility, and thermodynamic stability) has been performed for this missense variant. However, the output from this modeling did not meet the statistical confidence thresholds required to predict the impact of this variant on ANLN protein function. In summary, the available evidence is currently insufficient to determine the role of this variant in disease. Therefore, it has been classified as a Variant of Uncertain Significance.

NM_018685.5(ANLN):c.1678A>C (p.Asn560His)

Gene: ANLN (anillin, actin binding protein; plus strand). Cytogenetic location: 7p14.2.
Variant type: single nucleotide variant.
Coding change: c.1678A>C on transcript NM_018685.5 (MANE Select); coding-DNA position 1678, A replaced by C.
Protein change: p.Asn560His; replaces asparagine 560 with histidine.
Molecular consequence: missense variant.
Genome position (GRCh38, 1-based): chr7:36,419,288, A>C. VCF-style: chr7-36419288-A-C. GRCh37 (hg19) VCF-style: chr7-36458897-A-C.
Other names: c.1567A>C, p.Asn523His (NM_001284301.3); c.1564A>C, p.Asn522His (NM_001284302.3); short protein forms N522H, N523H, N560H.
Identifiers: ClinVar variation 3699870 (VCV003699870.2).